The following is an entry in ClinVar:

NM_024577.4(SH3TC2):c.588A>T (p.Glu196Asp)

Gene: SH3TC2 (SH3 domain and tetratricopeptide repeats 2; minus strand). Cytogenetic location: 5q32.
Variant type: single nucleotide variant.
Coding change: c.588A>T on transcript NM_024577.4 (MANE Select); coding-DNA position 588, A replaced by T.
Protein change: p.Glu196Asp; replaces glutamic acid 196 with aspartic acid.
Molecular consequence: missense variant.
Genome position (GRCh38, 1-based): chr5:149,041,559, T>A on the plus strand (A>T on the coding strand, the complement: SH3TC2 is on the minus strand). VCF-style: chr5-149041559-T-A. GRCh37 (hg19) VCF-style: chr5-148421122-T-A.
Other names: short protein forms E196D.
Identifiers: ClinVar variation 2050463 (VCV002050463.4), dbSNP rs1754372326, ClinGen allele CA361674705.

ClinVar aggregate classification (germline): Uncertain significance (1 of 4 stars; one submission).

Conditions:
Charcot-Marie-Tooth disease type 4. Also called: Charcot-Marie-Tooth, Type 4; Charcot-Marie-Tooth disease, type IV. Identifiers: Orphanet 64749, MedGen C4082197, MONDO:0018995.

Allele frequency attached by ClinVar (database versions not stated): TOPMed 0.00001.

Submission:

Labcorp Genetics (formerly Invitae), Labcorp
Classification: Uncertain significance for Charcot-Marie-Tooth disease type 4. Last evaluated: 2022-05-22. Review status: criteria provided, single submitter. Criteria: Invitae Variant Classification Sherloc (09022015). Collection method: clinical testing. Allele origin: germline.
Comment: In summary, the available evidence is currently insufficient to determine the role of this variant in disease. Therefore, it has been classified as a Variant of Uncertain Significance. Advanced modeling of protein sequence and biophysical properties (such as structural, functional, and spatial information, amino acid conservation, physicochemical variation, residue mobility, and thermodynamic stability) performed at Invitae indicates that this missense variant is not expected to disrupt SH3TC2 protein function. This variant has not been reported in the literature in individuals affected with SH3TC2-related conditions. This variant is not present in population databases (gnomAD no frequency). This sequence change replaces glutamic acid, which is acidic and polar, with aspartic acid, which is acidic and polar, at codon 196 of the SH3TC2 protein (p.Glu196Asp).